The following is an entry in ClinVar:

NM_000256.3(MYBPC3):c.1091-31G>A

Gene: MYBPC3 (myosin binding protein C3; minus strand). Cytogenetic location: 11p11.2.
Variant type: single nucleotide variant.
Coding change: c.1091-31G>A on transcript NM_000256.3 (MANE Select); 31 bases into the intron before coding-DNA position 1091, G replaced by A.
Genome position (GRCh38, 1-based): chr11:47,343,655, C>T on the plus strand (G>A on the coding strand, the complement: MYBPC3 is on the minus strand). VCF-style: chr11-47343655-C-T. GRCh37 (hg19) VCF-style: chr11-47365206-C-T.
Other names: c.1091-31G>A (LRG_386t1).
Identifiers: ClinVar variation 255623 (VCV000255623.6), dbSNP rs7940442, ClinGen allele CA042567.

ClinVar aggregate classification (germline): Benign. Review status: criteria provided, multiple submitters, no conflicts (2 of 4 stars). 5 submissions from 5 submitters: Benign (3). 2 of the submissions do not count toward it. Last evaluated 2018-06-14.

Allele frequency attached by ClinVar (database versions not stated): ExAC 0.01635; gnomAD 0.04806 and 0.04858; 1000 Genomes Project 30x 0.06152; ESP Exome Variant Server 0.04795; TOPMed 0.05421; 1000 Genomes Project 0.05891; gnomAD exomes 0.01269.
gnomAD v4.1: 14,636 of 1,567,034 alleles (0.93%); highest among the groups gnomAD compares: African/African-American, 17%; 1,174 homozygotes.

Submissions (5):

GeneDx
Classification: Benign. Last evaluated: 2018-06-14. Review status: criteria provided, single submitter. Criteria: GeneDx Variant Classification (06012015). Collection method: clinical testing. Allele origin: germline. Affected: yes.
Comment: This variant is considered likely benign or benign based on one or more of the following criteria: it is a conservative change, it occurs at a poorly conserved position in the protein, it is predicted to be benign by multiple in silico algorithms, and/or has population frequency not consistent with disease.

Breakthrough Genomics
Classification: Benign. Review status: criteria provided, single submitter. Criteria: ACMG Guidelines, 2015. Collection method: not provided. Allele origin: germline. Inheritance: Autosomal dominant inheritance. Affected: yes.

PreventionGenetics, part of Exact Sciences
Classification: Benign. Review status: criteria provided, single submitter. Criteria: ACMG Guidelines, 2015. Collection method: clinical testing. Allele origin: germline.

Clinical Genetics DNA and cytogenetics Diagnostics Lab, Erasmus MC, Erasmus Medical Center
Classification: Benign. Review status: no assertion criteria provided. Collection method: clinical testing. Allele origin: germline. Affected: yes. Study: VKGL Data-share Consensus. Not counted in ClinVar's aggregate classification.

Joint Genome Diagnostic Labs from Nijmegen and Maastricht, Radboudumc and MUMC+
Classification: Benign. Review status: no assertion criteria provided. Collection method: clinical testing. Allele origin: germline. Affected: yes. Study: VKGL Data-share Consensus. Not counted in ClinVar's aggregate classification.